The following is an entry in ClinVar:

NM_003072.5(SMARCA4):c.353A>G (p.Gln118Arg)

Gene: SMARCA4 (SWI/SNF related BAF chromatin remodeling complex subunit ATPase 4; plus strand). Cytogenetic location: 19p13.2.
Variant type: single nucleotide variant.
Coding change: c.353A>G on transcript NM_003072.5 (MANE Select); coding-DNA position 353, A replaced by G.
Protein change: p.Gln118Arg; replaces glutamine 118 with arginine.
Molecular consequence: missense variant. On other transcripts: non-coding transcript variant (1).
Genome position (GRCh38, 1-based): chr19:10,985,403, A>G. VCF-style: chr19-10985403-A-G. GRCh37 (hg19) VCF-style: chr19-11096079-A-G.
Other names: c.353A>G, p.Gln118Arg (NM_001128844.3, NM_001128845.2, NM_001128846.2 and 5 more transcripts); short protein forms Q118R.
Identifiers: ClinVar variation 470359 (VCV000470359.12), dbSNP rs1339250127, ClinGen allele CA404055418.

ClinVar aggregate classification (germline): Uncertain significance. Review status: criteria provided, multiple submitters, no conflicts (2 of 4 stars). 2 submissions from 2 submitters: Uncertain significance (2). Last evaluated 2023-04-14.

Conditions:
Hereditary cancer-predisposing syndrome. Also called: Hereditary neoplastic syndrome; Neoplastic Syndromes, Hereditary; Tumor predisposition; Hereditary Cancer Syndrome. Identifiers: Orphanet 140162, MedGen C0027672, MeSH D009386, MONDO:0015356.
Rhabdoid tumor predisposition syndrome 2 (RTPS2). Identifiers: Orphanet 231108, Orphanet 69077, MedGen C2750074, MONDO:0013224, OMIM 613325.

Allele frequency attached by ClinVar (database versions not stated): gnomAD exomes below 0.00001; gnomAD 0.00001; TOPMed 0.00001.
gnomAD v4.1: 4 of 1,613,674 alleles (0.00025%); highest among the groups gnomAD compares: Non-Finnish European, 0.00034%; no homozygotes.

Submissions (2):

Ambry Genetics
Classification: Uncertain significance for Hereditary cancer-predisposing syndrome. Last evaluated: 2023-04-14. Review status: criteria provided, single submitter. Criteria: Ambry Variant Classification Scheme 2023. Collection method: clinical testing. Allele origin: germline.
Comment: The p.Q118R variant (also known as c.353A>G), located in coding exon 2 of the SMARCA4 gene, results from an A to G substitution at nucleotide position 353. The glutamine at codon 118 is replaced by arginine, an amino acid with highly similar properties. This amino acid position is highly conserved in available vertebrate species. In addition, the in silico prediction for this alteration is inconclusive. Missense and in-frame variants in SMARCA4 are known to cause neurodevelopmental disorders; however, such associations with rhabdoid tumor predisposition syndrome including small cell carcinoma of the ovary-hypercalcemic type (SCCOHT) are exceedingly rare (Kosho T et al. Am J Med Genet C Semin Med Genet. 2014 Sep;166C(3):262-75; Jelinic P et al. Nat Genet. 2014 May;46(5):424-6). Since supporting evidence is limited at this time, the clinical significance of this alteration remains unclear.

Labcorp Genetics (formerly Invitae), Labcorp
Classification: Uncertain significance for Rhabdoid tumor predisposition syndrome 2. Last evaluated: 2022-07-06. Review status: criteria provided, single submitter. Criteria: Invitae Variant Classification Sherloc (09022015). Collection method: clinical testing. Allele origin: germline.
Comment: This variant is present in population databases (no rsID available, gnomAD 0.007%). In summary, the available evidence is currently insufficient to determine the role of this variant in disease. Therefore, it has been classified as a Variant of Uncertain Significance. Algorithms developed to predict the effect of missense changes on protein structure and function (SIFT, PolyPhen-2, Align-GVGD) all suggest that this variant is likely to be disruptive. ClinVar contains an entry for this variant (Variation ID: 470359). This variant has not been reported in the literature in individuals affected with SMARCA4-related conditions. This sequence change replaces glutamine, which is neutral and polar, with arginine, which is basic and polar, at codon 118 of the SMARCA4 protein (p.Gln118Arg).